The following is an entry in ClinVar:

ClinVar aggregate classification (germline): Uncertain significance (1 of 4 stars; one submission).

Allele frequency attached by ClinVar (database versions not stated): TOPMed below 0.00001; ExAC 0.00001; gnomAD exomes 0.00001.
gnomAD v4.1: 12 of 1,573,950 alleles (0.00076%); highest among the groups gnomAD compares: Admixed American, 0.0018%; no homozygotes.

Submission:

Labcorp Genetics (formerly Invitae), Labcorp
Classification: Uncertain significance. Last evaluated: 2024-10-15. Review status: criteria provided, single submitter. Criteria: Invitae Variant Classification Sherloc (09022015). Collection method: clinical testing. Allele origin: germline.
Comment: This sequence change replaces alanine, which is neutral and non-polar, with serine, which is neutral and polar, at codon 58 of the CIB1 protein (p.Ala58Ser). The frequency data for this variant in the population databases is considered unreliable, as metrics indicate poor data quality at this position in the gnomAD database. This variant has not been reported in the literature in individuals affected with CIB1-related conditions. ClinVar contains an entry for this variant (Variation ID: 1517903). Experimental studies and prediction algorithms are not available or were not evaluated, and the functional significance of this variant is currently unknown. In summary, the available evidence is currently insufficient to determine the role of this variant in disease. Therefore, it has been classified as a Variant of Uncertain Significance.

NM_006384.4(CIB1):c.87-35G>T

Gene: CIB1 (calcium and integrin binding 1; minus strand). Cytogenetic location: 15q26.1.
Variant type: single nucleotide variant.
Coding change: c.87-35G>T on transcript NM_006384.4 (MANE Select); 35 bases into the intron before coding-DNA position 87, G replaced by T.
Molecular consequence: intron variant. On other transcripts: missense variant (1).
Genome position (GRCh38, 1-based): chr15:90,232,362, C>A on the plus strand (G>T on the coding strand, the complement: CIB1 is on the minus strand). VCF-style: chr15-90232362-C-A. GRCh37 (hg19) VCF-style: chr15-90775594-C-A.
Other names: c.172G>T, p.Ala58Ser (NM_001277764.2); short protein forms A58S.
Identifiers: ClinVar variation 1517903 (VCV001517903.6), dbSNP rs759890736, ClinGen allele CA7734332.